The following is an entry in ClinVar:

NM_001127208.3(TET2):c.1228C>G (p.Pro410Ala)

Genes: TET2 (tet methylcytosine dioxygenase 2; plus strand), TET2-AS1 (TET2 antisense RNA 1; minus strand). Cytogenetic location: 4q24.
Variant type: single nucleotide variant.
Coding change: c.1228C>G on transcript NM_001127208.3 (MANE Select); coding-DNA position 1228, C replaced by G.
Protein change: p.Pro410Ala; replaces proline 410 with alanine.
Molecular consequence: missense variant.
Genome position (GRCh38, 1-based): chr4:105,235,170, C>G. VCF-style: chr4-105235170-C-G. GRCh37 (hg19) VCF-style: chr4-106156327-C-G.
Other names: c.1228C>G, p.Pro410Ala (NM_017628.4); short protein forms P410A.
Identifiers: ClinVar variation 3967553 (VCV003967553.1).

ClinVar aggregate classification (germline): Uncertain significance (1 of 4 stars; one submission).

gnomAD v4.1: 2 of 1,613,854 alleles (0.00012%); highest among the groups gnomAD compares: Non-Finnish European, 0.00017%; no homozygotes.

Submission:

Ambry Genetics
Classification: Uncertain significance. Last evaluated: 2025-04-12. Review status: criteria provided, single submitter. Criteria: Ambry Variant Classification Scheme 2023. Collection method: clinical testing. Allele origin: germline.
Comment: The p.P410A variant (also known as c.1228C>G), located in coding exon 1 of the TET2 gene, results from a C to G substitution at nucleotide position 1228. The proline at codon 410 is replaced by alanine, an amino acid with highly similar properties. This amino acid position is conserved. In addition, this alteration is predicted to be tolerated by in silico analysis. Based on the available evidence, the clinical significance of this variant remains unclear.